The following is an entry in ClinVar:

NM_016562.4(TLR7):c.352A>G (p.Ile118Val)

Gene: TLR7 (toll like receptor 7; plus strand). Cytogenetic location: Xp22.2.
Variant type: single nucleotide variant.
Coding change: c.352A>G on transcript NM_016562.4 (MANE Select); coding-DNA position 352, A replaced by G.
Protein change: p.Ile118Val; replaces isoleucine 118 with valine.
Molecular consequence: missense variant.
Genome position (GRCh38, 1-based): chrX:12,885,860, A>G. VCF-style: chrX-12885860-A-G. GRCh37 (hg19) VCF-style: chrX-12903979-A-G.
Other names: short protein forms I118V.
Identifiers: ClinVar variation 2771646 (VCV002771646.3), dbSNP rs1569109178, ClinGen allele CA412404633.

ClinVar aggregate classification (germline): Uncertain significance (1 of 4 stars; one submission).

Submission:

Labcorp Genetics (formerly Invitae), Labcorp
Classification: Uncertain significance. Last evaluated: 2025-04-07. Review status: criteria provided, single submitter. Criteria: Invitae Variant Classification Sherloc (09022015). Collection method: clinical testing. Allele origin: germline.
Comment: This sequence change replaces isoleucine, which is neutral and non-polar, with valine, which is neutral and non-polar, at codon 118 of the TLR7 protein (p.Ile118Val). This variant is not present in population databases (gnomAD no frequency). This variant has not been reported in the literature in individuals affected with TLR7-related conditions. ClinVar contains an entry for this variant (Variation ID: 2771646). An algorithm developed to predict the effect of missense changes on protein structure and function outputs the following: PolyPhen-2: "Benign". The valine amino acid residue is found in multiple mammalian species, which suggests that this missense change does not adversely affect protein function. In summary, the available evidence is currently insufficient to determine the role of this variant in disease. Therefore, it has been classified as a Variant of Uncertain Significance.